The following is an entry in ClinVar:

NM_000057.4(BLM):c.2756A>G (p.His919Arg)

Gene: BLM (BLM RecQ like helicase; plus strand). Cytogenetic location: 15q26.1.
Variant type: single nucleotide variant.
Coding change: c.2756A>G on transcript NM_000057.4 (MANE Select); coding-DNA position 2756, A replaced by G.
Protein change: p.His919Arg; replaces histidine 919 with arginine.
Molecular consequence: missense variant.
Genome position (GRCh38, 1-based): chr15:90,785,014, A>G. VCF-style: chr15-90785014-A-G. GRCh37 (hg19) VCF-style: chr15-91328244-A-G.
Other names: c.2756A>G, p.His919Arg (NM_001287246.2, NM_001287247.2); c.1631A>G, p.His544Arg (NM_001287248.2); short protein forms H919R, H544R.
Identifiers: ClinVar variation 3824488 (VCV003824488.1).

ClinVar aggregate classification (germline): Uncertain significance (1 of 4 stars; one submission).

Conditions:
Hereditary cancer-predisposing syndrome. Also called: Hereditary neoplastic syndrome; Neoplastic Syndromes, Hereditary; Tumor predisposition; Hereditary Cancer Syndrome. Identifiers: Orphanet 140162, MedGen C0027672, MeSH D009386, MONDO:0015356.

Submission:

Ambry Genetics
Classification: Uncertain significance for Hereditary cancer-predisposing syndrome. Last evaluated: 2025-03-08. Review status: criteria provided, single submitter. Criteria: Ambry Variant Classification Scheme 2023. Collection method: clinical testing. Allele origin: germline.
Comment: The p.H919R variant (also known as c.2756A>G), located in coding exon 13 of the BLM gene, results from an A to G substitution at nucleotide position 2756. The histidine at codon 919 is replaced by arginine, an amino acid with highly similar properties. This amino acid position is conserved. In addition, this alteration is predicted to be deleterious by in silico analysis. Based on the available evidence, the clinical significance of this variant remains unclear.